The following is an entry in ClinVar:

ClinVar aggregate classification (germline): Uncertain significance (1 of 4 stars; one submission).

Submission:

Labcorp Genetics (formerly Invitae), Labcorp
Classification: Uncertain significance. Last evaluated: 2025-03-07. Review status: criteria provided, single submitter. Criteria: Invitae Variant Classification Sherloc (09022015). Collection method: clinical testing. Allele origin: germline.
Comment: This sequence change replaces leucine, which is neutral and non-polar, with proline, which is neutral and non-polar, at codon 200 of the PLTP protein (p.Leu200Pro). This variant is not present in population databases (gnomAD no frequency). This variant has not been reported in the literature in individuals affected with PLTP-related conditions. An algorithm developed to predict the effect of missense changes on protein structure and function (PolyPhen-2) suggests that this variant is likely to be disruptive. In summary, the available evidence is currently insufficient to determine the role of this variant in disease. Therefore, it has been classified as a Variant of Uncertain Significance.

NM_006227.4(PLTP):c.599T>C (p.Leu200Pro)

Gene: PLTP (phospholipid transfer protein; minus strand). Cytogenetic location: 20q13.12.
Variant type: single nucleotide variant.
Coding change: c.599T>C on transcript NM_006227.4 (MANE Select); coding-DNA position 599, T replaced by C.
Protein change: p.Leu200Pro; replaces leucine 200 with proline.
Molecular consequence: missense variant.
Genome position (GRCh38, 1-based): chr20:45,907,706, A>G on the plus strand (T>C on the coding strand, the complement: PLTP is on the minus strand). VCF-style: chr20-45907706-A-G. GRCh37 (hg19) VCF-style: chr20-44536345-A-G.
Other names: c.314T>C, p.Leu105Pro (NM_001242920.2); c.335T>C, p.Leu112Pro (NM_001242921.1); c.443T>C, p.Leu148Pro (NM_182676.3); short protein forms L112P, L200P, L105P, L148P.
Identifiers: ClinVar variation 3632767 (VCV003632767.2).